The following is an entry in ClinVar:

NM_000466.3(PEX1):c.2692_2693del (p.Glu897_Ser898insTer)

Gene: PEX1 (peroxisomal biogenesis factor 1; minus strand). Cytogenetic location: 7q21.2.
Variant type: Microsatellite.
Coding change: c.2692_2693del on transcript NM_000466.3 (MANE Select); coding-DNA positions 2692 to 2693, 2 bases deleted (AG; older notation c.2692_2693delAG).
Protein change: p.Glu897_Ser898insTer.
Molecular consequence: nonsense.
Genome position (GRCh38, 1-based): chr7:92,499,729-92,499,730, CT deleted on the plus strand (AG on the coding strand, the reverse complement: PEX1 is on the minus strand); deleting any 2 consecutive bases within chr7:92,499,729-92,499,735 gives the same sequence; the c. name uses the placement nearest the transcript's 3' end. VCF-style (leftmost placement, unchanged base first): chr7-92499728-ACT-A. GRCh37 (hg19) VCF-style: chr7-92129042-ACT-A.
Other names: c.2521_2522del, p.Glu840_Ser841insTer (NM_001282677.2); c.2068_2069del, p.Glu689_Ser690insTer (NM_001282678.2).
Identifiers: ClinVar variation 1074539 (VCV001074539.8), dbSNP rs2116132444, ClinGen allele CA2580615933.
Genomic context (GRCh38, chr7:92,499,728, plus strand): 5'-ACCTAAATAAAAAAAGAAGATAAGTAGACAACATACCTTGACACTTATAAAATTCATTCT[ACT>A]CTCTCGTGCAATTACCCCAGCTAGTAAGGTTTTTCCTGTTCCAGGCGGACCATACAACAG-3'

ClinVar aggregate classification (germline): Pathogenic/Likely pathogenic. Review status: criteria provided, multiple submitters, no conflicts (2 of 4 stars). 2 submissions from 2 submitters: Pathogenic (1); Likely pathogenic (1). Last evaluated 2023-07-17.

Conditions:
Zellweger spectrum disorders (ZS). Also called: Zellweger Spectrum Disorder; Zellweger Spectrum; Zellweger Spectrum Disorder (ZSD); Zellweger syndrome. Identifiers: Orphanet 912, MedGen C0043459, MONDO:0019609.
Heimler syndrome 1 (HMLR1). Also called: PEROXISOME BIOGENESIS DISORDER 1C. Identifiers: Orphanet 3220, MedGen C4551980, OMIM 234580, MONDO:0024544.

Submissions (2):

Baylor Genetics
Classification: Likely pathogenic for Heimler syndrome 1. Last evaluated: 2023-07-17. Review status: criteria provided, single submitter. Criteria: ACMG Guidelines, 2015. Collection method: clinical testing. Allele origin: unknown.

Labcorp Genetics (formerly Invitae), Labcorp
Classification: Pathogenic for Zellweger spectrum disorders. Last evaluated: 2020-06-29. Review status: criteria provided, single submitter. Criteria: Invitae Variant Classification Sherloc (09022015). Collection method: clinical testing. Allele origin: germline.
Comment: For these reasons, this variant has been classified as Pathogenic. Loss-of-function variants in PEX1 are known to be pathogenic (PMID: 9398847, 16086329, 16141001, 21031596). This variant has not been reported in the literature in individuals with PEX1-related conditions. This variant is not present in population databases (ExAC no frequency). This sequence change creates a premature translational stop signal (p.Ser898*) in the PEX1 gene. It is expected to result in an absent or disrupted protein product.

Literature cited by the submitters: PubMed 9398847 (cited by Labcorp Genetics (formerly Invitae), Labcorp); PubMed 16086329 (cited by Labcorp Genetics (formerly Invitae), Labcorp); PubMed 16141001 (cited by Labcorp Genetics (formerly Invitae), Labcorp); PubMed 21031596 (cited by Labcorp Genetics (formerly Invitae), Labcorp).